The following is an entry in ClinVar:

ClinVar aggregate classification (germline): Likely benign (1 of 4 stars; one submission).

Conditions:
Familial cancer of breast. Also called: hereditary breast carcinoma; BREAST CANCER, FAMILIAL; Hereditary breast cancer. Identifiers: Orphanet 227535, MedGen C0346153, MONDO:0016419, OMIM 114480. Disease mechanism: loss of function.

Allele frequency attached by ClinVar (database versions not stated): gnomAD exomes below 0.00001.
gnomAD v4.1: 1 of 1,608,500 alleles (0.000062%); highest among the groups gnomAD compares: African/African-American, 0.0013%; no homozygotes.

Submission:

Myriad Genetics, Inc.
Classification: Likely benign for Familial cancer of breast. Last evaluated: 2024-06-03. Review status: criteria provided, single submitter. Criteria: Myriad Autosomal Dominant, Autosomal Recessive and X-Linked Classification Criteria (2023). Collection method: clinical testing. Allele origin: unknown.
Comment: This variant is considered likely benign. This variant is intronic and is not expected to impact mRNA splicing.

NM_000051.4(ATM):c.6199-14T>C

Genes: ATM (ATM serine/threonine kinase; plus strand), C11orf65 (chromosome 11 open reading frame 65; minus strand). Cytogenetic location: 11q22.3.
Variant type: single nucleotide variant.
Coding change: c.6199-14T>C on transcript NM_000051.4 (MANE Select); 14 bases into the intron before coding-DNA position 6199, T replaced by C.
Molecular consequence: intron variant.
Genome position (GRCh38, 1-based): chr11:108,317,359, T>C. VCF-style: chr11-108317359-T-C. GRCh37 (hg19) VCF-style: chr11-108188086-T-C.
Other names: c.6199-14T>C (NM_001351834.2); c.641-8288A>G (NM_001330368.2); c.*39-8288A>G (NM_001351110.2).
Identifiers: ClinVar variation 3253952 (VCV003253952.1), dbSNP rs1565502529.